The following is an entry in ClinVar:

ClinVar aggregate classification (germline): Pathogenic/Likely pathogenic. Review status: criteria provided, multiple submitters, no conflicts (2 of 4 stars). 4 submissions from 4 submitters: Pathogenic (3); Likely pathogenic (1). Last evaluated 2026-07-20.

Conditions:
Familial thoracic aortic aneurysm and aortic dissection (TAAD). Also called: Thoracic aortic aneurysms and dissections. Identifiers: Orphanet 91387, MedGen C4707243, MONDO:0019625.
Shprintzen-Goldberg syndrome (SGS). Also called: Marfanoid disorder with craniosynostosis type 1; Marfanoid craniosynostosis syndrome; Shprintzen-Goldberg marfanoid syndrome; SHPRINTZEN-GOLDBERG CRANIOSYNOSTOSIS SYNDROME; CRANIOSYNOSTOSIS WITH ARACHNODACTYLY AND ABDOMINAL HERNIAS. Identifiers: Orphanet 2462, MedGen C1321551, MONDO:0008426, OMIM 182212.

Submissions (4):

Ambry Genetics
Classification: Pathogenic for Familial thoracic aortic aneurysm and aortic dissection. Last evaluated: 2026-07-20. Review status: criteria provided, single submitter. Criteria: Ambry Variant Classification Scheme 2023. Collection method: clinical testing. Allele origin: germline.
Comment: The c.539C>T (p.T180M) alteration is located in coding exon 1 of the SKI gene. This alteration results from a C to T substitution at nucleotide position 539, causing the threonine (T) at amino acid position 180 to be replaced by a methionine (M). This variant was not reported in population-based cohorts in the Genome Aggregation Database (gnomAD). This variant was reported in individual(s) with features consistent with Shprintzen-Goldberg syndrome; in multiple individuals, it was determined to be de novo (Arnaud, 2020; Ambry internal data). This amino acid position is highly conserved in available vertebrate species. This alteration is predicted to be deleterious by in silico analysis. Based on the available evidence, this alteration is classified as pathogenic.

Labcorp Genetics (formerly Invitae), Labcorp
Classification: Pathogenic for Shprintzen-Goldberg syndrome. Last evaluated: 2026-01-12. Review status: criteria provided, single submitter. Criteria: Invitae Variant Classification Sherloc (09022015). Collection method: clinical testing. Allele origin: germline.
Comment: This sequence change replaces threonine, which is neutral and polar, with methionine, which is neutral and non-polar, at codon 180 of the SKI protein (p.Thr180Met). This variant is not present in population databases (gnomAD no frequency). This missense change has been observed in individual(s) with clinical features of Shprintzen-Goldberg syndrome (PMID: 31980905). In at least one individual the variant was observed to be de novo. ClinVar contains an entry for this variant (Variation ID: 213684). Invitae Evidence Modeling of protein sequence and biophysical properties (such as structural, functional, and spatial information, amino acid conservation, physicochemical variation, residue mobility, and thermodynamic stability) indicates that this missense variant is expected to disrupt SKI protein function with a positive predictive value of 95%. Experimental studies have shown that this missense change affects SKI function (PMID: 37697026). For these reasons, this variant has been classified as Pathogenic.

GeneDx
Classification: Pathogenic. Last evaluated: 2023-07-24. Review status: criteria provided, single submitter. Criteria: GeneDx Variant Classification Process June 2021. Collection method: clinical testing. Allele origin: germline. Affected: yes.
Comment: Not observed in large population cohorts (gnomAD); In silico analysis supports that this missense variant has a deleterious effect on protein structure/function; This variant is associated with the following publications: (PMID: 31980905)

Equipe Genetique des Anomalies du Developpement, Université de Bourgogne
Classification: Likely pathogenic for Shprintzen-Goldberg syndrome. Last evaluated: 2017-07-21. Review status: criteria provided, single submitter. Criteria: ACMG Guidelines, 2015. Collection method: clinical testing. Allele origin: de novo. Affected: yes. Study: Clinvar_gadteam_Clinical_exome_analysis_3.

Literature cited by the submitters: PubMed 31980905 (cited by Ambry Genetics and Labcorp Genetics (formerly Invitae), Labcorp); PubMed 37697026 (cited by Labcorp Genetics (formerly Invitae), Labcorp).

NM_003036.4(SKI):c.539C>T (p.Thr180Met)

Gene: SKI (SKI proto-oncogene; plus strand). Cytogenetic location: 1p36.33.
Variant type: single nucleotide variant.
Coding change: c.539C>T on transcript NM_003036.4 (MANE Select); coding-DNA position 539, C replaced by T.
Protein change: p.Thr180Met; replaces threonine 180 with methionine.
Molecular consequence: missense variant.
Genome position (GRCh38, 1-based): chr1:2,229,305, C>T. VCF-style: chr1-2229305-C-T. GRCh37 (hg19) VCF-style: chr1-2160744-C-T.
Other names: p.T180M:ACG>ATG; short protein forms T180M.
Identifiers: ClinVar variation 213684 (VCV000213684.20), dbSNP rs863223722, ClinGen allele CA323034.